The following is an entry in ClinVar:

NM_024312.5(GNPTAB):c.1801A>G (p.Ile601Val)

Gene: GNPTAB (N-acetylglucosamine-1-phosphate transferase subunits alpha and beta; minus strand). Cytogenetic location: 12q23.2.
Variant type: single nucleotide variant.
Coding change: c.1801A>G on transcript NM_024312.5 (MANE Select); coding-DNA position 1801, A replaced by G.
Protein change: p.Ile601Val; replaces isoleucine 601 with valine.
Molecular consequence: missense variant.
Genome position (GRCh38, 1-based): chr12:101,765,116, T>C on the plus strand (A>G on the coding strand, the complement: GNPTAB is on the minus strand). VCF-style: chr12-101765116-T-C. GRCh37 (hg19) VCF-style: chr12-102158894-T-C.
Other names: short protein forms I601V.
Identifiers: ClinVar variation 1016610 (VCV001016610.3), dbSNP rs1406478775, ClinGen allele CA386299780.

ClinVar aggregate classification (germline): Uncertain significance. Review status: criteria provided, single submitter (1 of 4 stars). 2 submissions from 2 submitters: Uncertain significance (1). 1 of the submissions does not count toward it. Last evaluated 2021-08-27.

Conditions:
Mucolipidosis type II. Also called: Mucolipidosis 2; ML 2; Inclusion cell disease; Leroy Disease; N-acetylglucosamine 1phosphotransferase deficiency; ML disorder type 2. Identifiers: Orphanet 576, MedGen C2673377, MONDO:0009650, OMIM 252500.
Pseudo-Hurler polydystrophy. Also called: ML IIIA; Mucolipidosis III Alpha/Beta; MUCOLIPIDOSIS IIIA; ML III; ML III ALPHA/BETA; Type III Mucolipidosis. Identifiers: Orphanet 423461, Orphanet 577, MedGen C0033788, MONDO:0018931, OMIM 252600.

Allele frequency attached by ClinVar (database versions not stated): gnomAD exomes 0.00001 and below 0.00001; TOPMed 0.00001; gnomAD 0.00003.
gnomAD v4.1: 9 of 1,614,076 alleles (0.00056%); highest among the groups gnomAD compares: Admixed American, 0.01%; no homozygotes.

Submissions (2):

Labcorp Genetics (formerly Invitae), Labcorp
Classification: Uncertain significance for Pseudo-Hurler polydystrophy; Mucolipidosis type II. Last evaluated: 2021-08-27. Review status: criteria provided, single submitter. Criteria: Invitae Variant Classification Sherloc (09022015). Collection method: clinical testing. Allele origin: germline.
Comment: This sequence change replaces isoleucine with valine at codon 601 of the GNPTAB protein (p.Ile601Val). The isoleucine residue is highly conserved and there is a small physicochemical difference between isoleucine and valine. This variant is not present in population databases (ExAC no frequency). This variant has not been reported in the literature in individuals affected with GNPTAB-related conditions. Algorithms developed to predict the effect of missense changes on protein structure and function are either unavailable or do not agree on the potential impact of this missense change (SIFT: "Deleterious"; PolyPhen-2: "Benign"; Align-GVGD: "Class C0"). In summary, the available evidence is currently insufficient to determine the role of this variant in disease. Therefore, it has been classified as a Variant of Uncertain Significance.

Natera, Inc.
Classification: Uncertain significance for Mucolipidosis type II. Last evaluated: 2020-01-24. Review status: no assertion criteria provided. Collection method: clinical testing. Allele origin: germline. Not counted in ClinVar's aggregate classification.